The following is an entry in ClinVar:

ClinVar aggregate classification (germline): Uncertain significance (1 of 4 stars; one submission).

Allele frequency attached by ClinVar (database versions not stated): gnomAD exomes below 0.00001; TOPMed below 0.00001; ExAC 0.00001; gnomAD 0.00001.
gnomAD v4.1: 2 of 1,596,372 alleles (0.00013%); highest among the groups gnomAD compares: Non-Finnish European, 0.00017%; no homozygotes.

Submission:

Labcorp Genetics (formerly Invitae), Labcorp
Classification: Uncertain significance. Last evaluated: 2022-08-23. Review status: criteria provided, single submitter. Criteria: Invitae Variant Classification Sherloc (09022015). Collection method: clinical testing. Allele origin: germline.
Comment: In summary, the available evidence is currently insufficient to determine the role of this variant in disease. Therefore, it has been classified as a Variant of Uncertain Significance. Algorithms developed to predict the effect of missense changes on protein structure and function are either unavailable or do not agree on the potential impact of this missense change (SIFT: "Tolerated"; PolyPhen-2: "Probably Damaging"; Align-GVGD: "Class C0"). This variant has not been reported in the literature in individuals affected with PLAA-related conditions. This variant is present in population databases (rs757313107, gnomAD 0.0009%). This sequence change replaces phenylalanine, which is neutral and non-polar, with valine, which is neutral and non-polar, at codon 67 of the PLAA protein (p.Phe67Val).

NM_001031689.3(PLAA):c.199T>G (p.Phe67Val)

Gene: PLAA (phospholipase A2 activating protein; minus strand). Cytogenetic location: 9p21.2.
Variant type: single nucleotide variant.
Coding change: c.199T>G on transcript NM_001031689.3 (MANE Select); coding-DNA position 199, T replaced by G.
Protein change: p.Phe67Val; replaces phenylalanine 67 with valine.
Molecular consequence: missense variant.
Genome position (GRCh38, 1-based): chr9:26,935,157, A>C on the plus strand (T>G on the coding strand, the complement: PLAA is on the minus strand). VCF-style: chr9-26935157-A-C. GRCh37 (hg19) VCF-style: chr9-26935155-A-C.
Other names: c.199T>G, p.Phe67Val (NM_001321546.2); short protein forms F67V.
Identifiers: ClinVar variation 1964789 (VCV001964789.5), dbSNP rs757313107, ClinGen allele CA5014700.
Genomic context (GRCh38, chr9:26,935,157, plus strand): 5'-TGGCAATTAGGCCATGAGGGTAGATGTCACTTGAGGGTATGATGCATACACAAGATACAA[A>C]ATTGGAATGGCCACTCATACAGTGCATTTCTGTAAAGCTCCTGTTTGGACTGGAAAGACA-3'
Protein context (NP_001026859.1, residues 57-77): EMHCMSGHSN[Phe67Val]VSCVCIIPSS